The following is an entry in ClinVar:

ClinVar aggregate classification (germline): Uncertain significance (1 of 4 stars; one submission).

gnomAD v4.1: 6 of 1,613,674 alleles (0.00037%); highest among the groups gnomAD compares: Admixed American, 0.0017%; no homozygotes.

Submission:

GeneDx
Classification: Uncertain significance. Last evaluated: 2024-01-12. Review status: criteria provided, single submitter. Criteria: GeneDx Variant Classification Process June 2021. Collection method: clinical testing. Allele origin: germline. Affected: yes.
Comment: Not observed at significant frequency in large population cohorts (gnomAD); In silico analysis supports that this missense variant does not alter protein structure/function; Has not been previously published as pathogenic or benign to our knowledge

NM_025207.5(FLAD1):c.35G>A (p.Arg12Lys)

Gene: FLAD1 (flavin adenine dinucleotide synthetase 1; plus strand). Cytogenetic location: 1q21.3.
Variant type: single nucleotide variant.
Coding change: c.35G>A on transcript NM_025207.5 (MANE Select); coding-DNA position 35, G replaced by A.
Protein change: p.Arg12Lys; replaces arginine 12 with lysine.
Molecular consequence: missense variant. On other transcripts: intron variant (3).
Genome position (GRCh38, 1-based): chr1:154,983,729, G>A. VCF-style: chr1-154983729-G-A. GRCh37 (hg19) VCF-style: chr1-154956205-G-A.
Other names: c.-144-113G>A (NM_001184891.2, NM_201398.3); c.-789-113G>A (NM_001184892.2); short protein forms R12K.
Identifiers: ClinVar variation 3367834 (VCV003367834.1).